The following is an entry in ClinVar:

ClinVar aggregate classification (germline): Uncertain significance (1 of 4 stars; one submission).

Submission:

GeneDx
Classification: Uncertain significance. Last evaluated: 2017-05-03. Review status: criteria provided, single submitter. Criteria: GeneDx Variant Classification (06012015). Collection method: clinical testing. Allele origin: germline. Affected: yes.
Comment: A variant of uncertain significance has been identified in the NTRK1 gene. The V263L variant has not been published as a pathogenic variant, nor has it been reported as a benign variant to our knowledge. The V263L variant is not observed in large population cohorts (Lek et al., 2016; 1000 Genomes Consortium et al., 2015; Exome Variant Server). The V263L variant is a conservative amino acid substitution, which is not likely to impact secondary protein structure as these residues share similar properties. This substitution occurs at a position where amino acids with similar properties to Valine are tolerated across species. However, in silico analysis is inconsistent in its predictions as to whether or not the variant is damaging to the protein structure/function. Therefore, based on the currently available information, it is unclear whether this variant is a pathogenic variant or a rare benign variant.

NM_002529.4(NTRK1):c.787G>C (p.Val263Leu)

Gene: NTRK1 (neurotrophic receptor tyrosine kinase 1; plus strand). Cytogenetic location: 1q23.1.
Variant type: single nucleotide variant.
Coding change: c.787G>C on transcript NM_002529.4 (MANE Select); coding-DNA position 787, G replaced by C.
Protein change: p.Val263Leu; replaces valine 263 with leucine.
Molecular consequence: missense variant.
Genome position (GRCh38, 1-based): chr1:156,871,692, G>C. VCF-style: chr1-156871692-G-C. GRCh37 (hg19) VCF-style: chr1-156841484-G-C.
Other names: c.697G>C, p.Val233Leu (NM_001007792.1); c.787G>C, p.Val263Leu (NM_001012331.2); short protein forms V233L, V263L.
Identifiers: ClinVar variation 429472 (VCV000429472.2), dbSNP rs201509717, ClinGen allele CA342935157.